The following is an entry in ClinVar:

ClinVar aggregate classification (germline): Likely pathogenic (0 of 4 stars; one submission).

Conditions:
SCN1A-related disorder. Also called: SCN1A-related disorders; SCN1A-related conditions; SCN1A-related condition.

Submission:

PreventionGenetics, part of Exact Sciences
Classification: Likely pathogenic for SCN1A-related condition. Last evaluated: 2024-06-17. Review status: no assertion criteria provided. Collection method: clinical testing. Allele origin: germline.
Comment: The SCN1A c.5075T>G variant is predicted to result in the amino acid substitution p.Phe1692Cys. To our knowledge, this variant has not been reported in the literature or in a large population database, indicating this variant is rare. An alternate missense change affecting the same amino acid (p.Phe1692Ser) has been reported in an individual with severe myoclonic epilepsy of infancy (Table 1, Patient 14, referred to as F1682S, Fukuma et al. 2004. PubMed ID: 14738421). The c.5075T>G (p.Phe1692Cys) variant is interpreted as likely pathogenic.

NM_001165963.4(SCN1A):c.5075T>G (p.Phe1692Cys)

Genes: SCN1A (sodium voltage-gated channel alpha subunit 1; minus strand), LOC102724058 (uncharacterized LOC102724058; plus strand). Cytogenetic location: 2q24.3.
Variant type: single nucleotide variant.
Coding change: c.5075T>G on transcript NM_001165963.4 (MANE Select); coding-DNA position 5075, T replaced by G.
Protein change: p.Phe1692Cys; replaces phenylalanine 1692 with cysteine.
Molecular consequence: missense variant. On other transcripts: non-coding transcript variant (1).
Genome position (GRCh38, 1-based): chr2:165,992,200, A>C on the plus strand (T>G on the coding strand, the complement: SCN1A is on the minus strand). VCF-style: chr2-165992200-A-C. GRCh37 (hg19) VCF-style: chr2-166848710-A-C.
Other names: c.4991T>G, p.Phe1664Cys (NM_001165964.3, NM_001353957.2, NM_001353958.2); c.5075T>G, p.Phe1692Cys (NM_001202435.3, NM_001353948.2); c.5042T>G, p.Phe1681Cys (NM_001353949.2, NM_001353950.2, NM_001353951.2 and 2 more transcripts); c.5039T>G, p.Phe1680Cys (NM_001353954.2, NM_001353955.2); c.4988T>G, p.Phe1663Cys (NM_001353960.2); c.2633T>G, p.Phe878Cys (NM_001353961.2); short protein forms F1663C, F1664C, F1680C, F1681C, F1692C, F878C.
Identifiers: ClinVar variation 2633676 (VCV002633676.2), dbSNP rs121918778, ClinGen allele CA349069365.